The following is an entry in ClinVar:

NM_000059.4(BRCA2):c.7248T>C (p.Phe2416=)

Gene: BRCA2 (BRCA2 DNA repair associated; plus strand). Cytogenetic location: 13q13.1.
Variant type: single nucleotide variant.
Coding change: c.7248T>C on transcript NM_000059.4 (MANE Select); coding-DNA position 7248, T replaced by C.
Protein change: p.Phe2416=; no amino-acid change (phenylalanine 2416 retained).
Molecular consequence: synonymous variant.
Genome position (GRCh38, 1-based): chr13:32,355,101, T>C. VCF-style: chr13-32355101-T-C. GRCh37 (hg19) VCF-style: chr13-32929238-T-C.
Identifiers: ClinVar variation 427421 (VCV000427421.3), dbSNP rs1131692140, ClinGen allele CA483439790.
Genomic context (GRCh38, chr13:32,355,101, plus strand): 5'-GATTACTACAGGCAGACCAACCAAAGTCTTTGTTCCACCTTTTAAAACTAAATCACATTT[T>C]CACAGAGTTGAACAGTGTGTTAGGAATATTAACTTGGAGGAAAACAGACAAAAGCAAAAC-3'
Protein context (NP_000050.3, residues 2406-2426): FVPPFKTKSH[Phe2416=]HRVEQCVRNI

ClinVar aggregate classification (germline): Likely benign (3 of 4 stars; one submission).

Conditions:
Breast-ovarian cancer, familial, susceptibility to, 2 (BROVCA2). Also called: BRCA2 Hereditary Breast and Ovarian Cancer. Identifiers: Orphanet 145, MedGen C2675520, MONDO:0012933, OMIM 612555. Disease mechanism: loss of function.

Submission:

Evidence-based Network for the Interpretation of Germline Mutant Alleles (ENIGMA)
Classification: Likely benign for Breast-ovarian cancer, familial, susceptibility to, 2. Last evaluated: 2017-06-29. Review status: reviewed by expert panel. Criteria: ENIGMA BRCA1/2 Classification Criteria (2017-06-29). Collection method: curation. Allele origin: germline.
Comment: Synonymous substitution variant, with low bioinformatic likelihood to result in a splicing aberration (Splicing prior probability 0.02).